The following is an entry in ClinVar:

NM_201253.3(CRB1):c.3917G>A (p.Cys1306Tyr)

Gene: CRB1 (crumbs cell polarity complex component 1; plus strand). Cytogenetic location: 1q31.3.
Variant type: single nucleotide variant.
Coding change: c.3917G>A on transcript NM_201253.3 (MANE Select); coding-DNA position 3917, G replaced by A.
Protein change: p.Cys1306Tyr; replaces cysteine 1306 with tyrosine.
Molecular consequence: missense variant. On other transcripts: non-coding transcript variant (2).
Genome position (GRCh38, 1-based): chr1:197,442,204, G>A. VCF-style: chr1-197442204-G-A. GRCh37 (hg19) VCF-style: chr1-197411334-G-A.
Other names: c.2309G>A, p.Cys770Tyr (NM_001257966.2); c.3581G>A, p.Cys1194Tyr (NM_001193640.2); c.3845G>A, p.Cys1282Tyr (NM_001257965.2); short protein forms C1282Y, C1194Y, C1306Y, C770Y.
Identifiers: ClinVar variation 1468124 (VCV001468124.8), dbSNP rs2125513658, ClinGen allele CA344052525.
Genomic context (GRCh38, chr1:197,442,204, plus strand): 5'-TGCTGTTCTGTTTATTTTGAAGGTGTGAAAAGGACATTGATGAGTGTGCCTCTGATCCGT[G>A]TGTCAATGGAGGTCTGTGCCAGGACTTACTCAACAAATTCCAGTGCCTCTGTGATGTTGC-3'
Protein context (NP_957705.1, residues 1296-1316): KDIDECASDP[Cys1306Tyr]VNGGLCQDLL

ClinVar aggregate classification (germline): Uncertain significance (1 of 4 stars; one submission).

Conditions:
Retinitis pigmentosa 12 (RP12). Also called: RP WITH OR WITHOUT PRESERVED PARAARTERIOLE RETINAL PIGMENT EPITHELIUM; RETINITIS PIGMENTOSA WITH OR WITHOUT PARAARTERIOLAR PRESERVATION OF RETINAL PIGMENT EPITHELIUM; RP WITH OR WITHOUT PPRPE. Identifiers: Orphanet 791, MedGen C1838647, MONDO:0010818, OMIM 600105.
Leber congenital amaurosis 8 (LCA8). Identifiers: Orphanet 65, MedGen C3151202, MONDO:0013453, OMIM 613835.

Submission:

Labcorp Genetics (formerly Invitae), Labcorp
Classification: Uncertain significance for Leber congenital amaurosis 8; Retinitis pigmentosa 12. Last evaluated: 2022-11-01. Review status: criteria provided, single submitter. Criteria: Invitae Variant Classification Sherloc (09022015). Collection method: clinical testing. Allele origin: germline.
Comment: In summary, the available evidence is currently insufficient to determine the role of this variant in disease. Therefore, it has been classified as a Variant of Uncertain Significance. This variant is not present in population databases (gnomAD no frequency). This sequence change replaces cysteine, which is neutral and slightly polar, with tyrosine, which is neutral and polar, at codon 1306 of the CRB1 protein (p.Cys1306Tyr). This variant has not been reported in the literature in individuals affected with CRB1-related conditions. Advanced modeling of protein sequence and biophysical properties (such as structural, functional, and spatial information, amino acid conservation, physicochemical variation, residue mobility, and thermodynamic stability) performed at Invitae indicates that this missense variant is expected to disrupt CRB1 protein function. ClinVar contains an entry for this variant (Variation ID: 1468124).